The following is an entry in ClinVar:

ClinVar aggregate classification (germline): Uncertain significance (1 of 4 stars; one submission).

Conditions:
Inborn genetic diseases. Identifiers: MedGen C0950123, MeSH D030342.

Submission:

Ambry Genetics
Classification: Uncertain significance for Inborn genetic diseases. Last evaluated: 2025-08-20. Review status: criteria provided, single submitter. Criteria: Ambry Variant Classification Scheme 2023. Collection method: clinical testing. Allele origin: germline.
Comment: The p.P709A variant (also known as c.2125C>G), located in coding exon 8 of the MECOM gene, results from a C to G substitution at nucleotide position 2125. The proline at codon 709 is replaced by alanine, an amino acid with highly similar properties. This amino acid position is conserved. In addition, the in silico prediction for this alteration is inconclusive. Based on the available evidence, the clinical significance of this variant remains unclear.

NM_004991.4(MECOM):c.2125C>G (p.Pro709Ala)

Gene: MECOM (MDS1 and EVI1 complex locus; minus strand). Cytogenetic location: 3q26.2.
Variant type: single nucleotide variant.
Coding change: c.2125C>G on transcript NM_004991.4 (MANE Select); coding-DNA position 2125, C replaced by G.
Protein change: p.Pro709Ala; replaces proline 709 with alanine.
Molecular consequence: missense variant.
Genome position (GRCh38, 1-based): chr3:169,115,747, G>C on the plus strand (C>G on the coding strand, the complement: MECOM is on the minus strand). VCF-style: chr3-169115747-G-C. GRCh37 (hg19) VCF-style: chr3-168833535-G-C.
Other names: c.1756C>G, p.Pro586Ala (NM_001105077.4); c.1561C>G, p.Pro521Ala (NM_001105078.4, NM_001164000.2, NM_001205194.2 and 4 more transcripts); c.1564C>G, p.Pro522Ala (NM_001163999.2, NM_001366467.2, NM_001366468.2 and 1 more transcripts); c.2125C>G, p.Pro709Ala (NM_001366466.2); c.1153C>G, p.Pro385Ala (NM_001366473.2); c.589C>G, p.Pro197Ala (NM_001366474.2); short protein forms P522A, P709A, P197A, P385A, P586A, P521A.
Identifiers: ClinVar variation 4105857 (VCV004105857.1).